The following is an entry in ClinVar:

NM_021629.4(GNB4):c.826G>A (p.Val276Ile)

Gene: GNB4 (G protein subunit beta 4; minus strand). Cytogenetic location: 3q26.33.
Variant type: single nucleotide variant.
Coding change: c.826G>A on transcript NM_021629.4 (MANE Select); coding-DNA position 826, G replaced by A.
Protein change: p.Val276Ile; replaces valine 276 with isoleucine.
Molecular consequence: missense variant.
Genome position (GRCh38, 1-based): chr3:179,405,280, C>T on the plus strand (G>A on the coding strand, the complement: GNB4 is on the minus strand). VCF-style: chr3-179405280-C-T. GRCh37 (hg19) VCF-style: chr3-179123068-C-T.
Other names: p.Val276Ile; short protein forms V276I.
Identifiers: ClinVar variation 941789 (VCV000941789.10), dbSNP rs139774004, ClinGen allele CA88740330.

ClinVar aggregate classification (germline): Uncertain significance. Review status: criteria provided, multiple submitters, no conflicts (2 of 4 stars). 2 submissions from 2 submitters: Uncertain significance (2). Last evaluated 2025-05-11.

Conditions:
Charcot-Marie-Tooth disease dominant intermediate F. Identifiers: Orphanet 352670, MedGen C4749463, MONDO:0014074, OMIM 615185.

Allele frequency attached by ClinVar (database versions not stated): gnomAD exomes 0.00001; TOPMed 0.00005; ESP Exome Variant Server 0.00015.
gnomAD v4.1: 18 of 1,614,158 alleles (0.0011%); highest among the groups gnomAD compares: Admixed American, 0.0017%; no homozygotes.

Submissions (2):

Labcorp Genetics (formerly Invitae), Labcorp
Classification: Uncertain significance for Charcot-Marie-Tooth disease dominant intermediate F. Last evaluated: 2025-05-11. Review status: criteria provided, single submitter. Criteria: Invitae Variant Classification Sherloc (09022015). Collection method: clinical testing. Allele origin: germline.
Comment: This sequence change replaces valine, which is neutral and non-polar, with isoleucine, which is neutral and non-polar, at codon 276 of the GNB4 protein (p.Val276Ile). This variant is not present in population databases (gnomAD no frequency). This variant has not been reported in the literature in individuals affected with GNB4-related conditions. ClinVar contains an entry for this variant (Variation ID: 941789). Invitae Evidence Modeling of protein sequence and biophysical properties (such as structural, functional, and spatial information, amino acid conservation, physicochemical variation, residue mobility, and thermodynamic stability) indicates that this missense variant is not expected to disrupt GNB4 protein function with a negative predictive value of 95%. In summary, the available evidence is currently insufficient to determine the role of this variant in disease. Therefore, it has been classified as a Variant of Uncertain Significance.

Mayo Clinic Laboratories, Mayo Clinic
Classification: Uncertain significance. Last evaluated: 2023-05-12. Review status: criteria provided, single submitter. Criteria: ACMG Guidelines, 2015. Collection method: clinical testing. Allele origin: germline. Observed: 1 variant allele.
Comment: BP4, PM2